The following is an entry in ClinVar:

NM_001244008.2(KIF1A):c.116A>G (p.Asn39Ser)

Gene: KIF1A (kinesin family member 1A; minus strand). Cytogenetic location: 2q37.3.
Variant type: single nucleotide variant.
Coding change: c.116A>G on transcript NM_001244008.2 (MANE Select); coding-DNA position 116, A replaced by G.
Protein change: p.Asn39Ser; replaces asparagine 39 with serine.
Molecular consequence: missense variant.
Genome position (GRCh38, 1-based): chr2:240,789,303, T>C on the plus strand (A>G on the coding strand, the complement: KIF1A is on the minus strand). VCF-style: chr2-240789303-T-C. GRCh37 (hg19) VCF-style: chr2-241728720-T-C.
Other names: c.116A>G, p.Asn39Ser (NM_001379632.1, NM_001379633.1, NM_001379634.1 and 20 more transcripts); short protein forms N39S.
Identifiers: ClinVar variation 4293435 (VCV004293435.1).
Genomic context (GRCh38, chr2:240,789,303, plus strand): 5'-TGCGACCAGTAGGAGTAGTCAAAGCTGAAGCTTTTGGGCGTCTCCTTGGGCTGTTTGGGG[T>C]TAACAATGGCTGTGGGAGGGAACACAGGTGGTTAGCGCTGTGCTGGGAGGGCCCCTGACT-3'
Protein context (NP_001230937.1, residues 29-49): QMSGSTTTIV[Asn39Ser]PKQPKETPKS

ClinVar aggregate classification (germline): Uncertain significance (1 of 4 stars; one submission).

Conditions:
Intellectual disability, autosomal dominant 9 (NESCAVS). Also called: NESCAV SYNDROME; KIF1A-Related Neurodevelopmental Disorder. Identifiers: Orphanet 662367, MedGen C5393830, MONDO:0013656, OMIM 614255.

gnomAD v4.1: 2 of 1,613,638 alleles (0.00012%); highest among the groups gnomAD compares: Non-Finnish European, 0.000085%; no homozygotes.

Submission:

3billion
Classification: Uncertain significance for Intellectual disability, autosomal dominant 9. Last evaluated: 2024-07-01. Review status: criteria provided, single submitter. Criteria: ACMG Guidelines, 2015. Collection method: clinical testing. Allele origin: germline. Affected: yes.
Comment: The variant is observed at an extremely low frequency in the gnomAD v4.0.0 dataset (total allele frequency: <0.001%). Predicted Consequence/Location: The variant is located in a mutational hot spot and/or well-established functional domain in which established pathogenic variants have been reported (PMID: 31488895). In silico tool predictions suggest damaging effect of the variant on gene or gene product [3Cnet: 0.69 (>=0.6, sensitivity 0.72 and precision 0.9)]. Therefore, this variant is classified as VUS according to the recommendation of ACMG/AMP guideline.

Literature cited by the submitters: PubMed 31488895.